The following is an entry in ClinVar:

NM_004984.4(KIF5A):c.215A>G (p.Lys72Arg)

Gene: KIF5A (kinesin family member 5A; plus strand). Cytogenetic location: 12q13.3.
Variant type: single nucleotide variant.
Coding change: c.215A>G on transcript NM_004984.4 (MANE Select); coding-DNA position 215, A replaced by G.
Protein change: p.Lys72Arg; replaces lysine 72 with arginine.
Molecular consequence: missense variant. On other transcripts: intron variant (1).
Genome position (GRCh38, 1-based): chr12:57,563,524, A>G. VCF-style: chr12-57563524-A-G. GRCh37 (hg19) VCF-style: chr12-57957307-A-G.
Other names: c.130-936A>G (NM_001354705.2); short protein forms K72R.
Identifiers: ClinVar variation 2711280 (VCV002711280.3), dbSNP rs2540492989, ClinGen allele CA385492974.

ClinVar aggregate classification (germline): Uncertain significance (1 of 4 stars; one submission).

Conditions:
Spastic paraplegia. Identifiers: MedGen C0037772, HP:0001258.

Submission:

Labcorp Genetics (formerly Invitae), Labcorp
Classification: Uncertain significance for Spastic paraplegia. Last evaluated: 2024-01-25. Review status: criteria provided, single submitter. Criteria: Invitae Variant Classification Sherloc (09022015). Collection method: clinical testing. Allele origin: germline.
Comment: This sequence change replaces lysine, which is basic and polar, with arginine, which is basic and polar, at codon 72 of the KIF5A protein (p.Lys72Arg). This variant is not present in population databases (gnomAD no frequency). This variant has not been reported in the literature in individuals affected with KIF5A-related conditions. An algorithm developed to predict the effect of missense changes on protein structure and function (PolyPhen-2) suggests that this variant is likely to be tolerated. In summary, the available evidence is currently insufficient to determine the role of this variant in disease. Therefore, it has been classified as a Variant of Uncertain Significance.